The following is an entry in ClinVar:

ClinVar aggregate classification (germline): Pathogenic. Review status: reviewed by expert panel (3 of 4 stars). 4 submissions from 4 submitters: Pathogenic (1). 3 of the submissions do not count toward it. Last evaluated 2016-10-18.

Conditions:
Breast-ovarian cancer, familial, susceptibility to, 2 (BROVCA2). Also called: BRCA2 Hereditary Breast and Ovarian Cancer. Identifiers: Orphanet 145, MedGen C2675520, MONDO:0012933, OMIM 612555. Disease mechanism: loss of function.
Hereditary cancer-predisposing syndrome. Also called: Hereditary neoplastic syndrome; Neoplastic Syndromes, Hereditary; Tumor predisposition; Hereditary Cancer Syndrome. Identifiers: Orphanet 140162, MedGen C0027672, MeSH D009386, MONDO:0015356.
Hereditary breast ovarian cancer syndrome. Also called: BRCA1- and BRCA2-Associated Hereditary Breast and Ovarian Cancer; Hereditary breast and ovarian cancer; Breast and ovarian cancer; Hereditary breast and/or ovarian cancer syndrome; Hereditary breast and ovarian cancer syndrome; Hereditary breast and ovarian cancer syndrome (HBOC). Identifiers: Orphanet 145, MedGen C0677776, MeSH D061325, MONDO:0003582. Disease mechanism: loss of function.

Submissions (4):

Evidence-based Network for the Interpretation of Germline Mutant Alleles (ENIGMA)
Classification: Pathogenic for Breast-ovarian cancer, familial, susceptibility to, 2. Last evaluated: 2016-10-18. Review status: reviewed by expert panel. Criteria: ENIGMA BRCA1/2 Classification Criteria (2015). Collection method: curation. Allele origin: germline.
Comment: Variant allele predicted to encode a truncated non-functional protein.

Labcorp Genetics (formerly Invitae), Labcorp
Classification: Pathogenic for Hereditary breast ovarian cancer syndrome. Last evaluated: 2024-02-27. Review status: criteria provided, single submitter. Criteria: Invitae Variant Classification Sherloc (09022015). Collection method: clinical testing. Allele origin: germline. Not counted in ClinVar's aggregate classification.
Comment: This sequence change creates a premature translational stop signal (p.Val2151Phefs*17) in the BRCA2 gene. It is expected to result in an absent or disrupted protein product. Loss-of-function variants in BRCA2 are known to be pathogenic (PMID: 20104584). This variant is not present in population databases (gnomAD no frequency). This premature translational stop signal has been observed in individual(s) with clinical features of BRCA2-related conditions (PMID: 21520333). ClinVar contains an entry for this variant (Variation ID: 266949). For these reasons, this variant has been classified as Pathogenic.

Ambry Genetics
Classification: Pathogenic for Hereditary cancer-predisposing syndrome. Last evaluated: 2020-01-27. Review status: criteria provided, single submitter. Criteria: Ambry Variant Classification Scheme 2023. Collection method: clinical testing. Allele origin: germline. Not counted in ClinVar's aggregate classification.
Comment: The c.6447delT variant, located in coding exon 10 of the BRCA2 gene, results from a deletion of one nucleotide at nucleotide position 6447, causing a translational frameshift with a predicted alternate stop codon (p.V2151Ffs*17). Of note, this alteration is also designated as c.6446delT in published literature. In addition to the clinical data presented in the literature, this alteration is expected to result in loss of function by premature protein truncation or nonsense-mediated mRNA decay. As such, this alteration is interpreted as a disease-causing mutation.

Color Diagnostics, LLC DBA Color Health
Classification: Pathogenic for Hereditary cancer-predisposing syndrome. Last evaluated: 2020-01-15. Review status: criteria provided, single submitter. Criteria: ACMG Guidelines, 2015. Collection method: clinical testing. Allele origin: germline. Not counted in ClinVar's aggregate classification.
Comment: This variant deletes 1 nucleotide in exon 11 of the BRCA2 gene, creating a frameshift and premature translation stop signal. This variant is expected to result in an absent or non-functional protein product. This variant has not been identified in the general population by the Genome Aggregation Database (gnomAD). Loss of BRCA2 function is a known mechanism of disease. Based on the available evidence, this variant is classified as Pathogenic.

Literature cited by the submitters: PubMed 20104584 (cited by Labcorp Genetics (formerly Invitae), Labcorp); PubMed 21520333 (cited by Labcorp Genetics (formerly Invitae), Labcorp); PubMed 29752822 (cited by Ambry Genetics); PubMed 31825140 (cited by Ambry Genetics).

NM_000059.4(BRCA2):c.6447del (p.Val2151fs)

Gene: BRCA2 (BRCA2 DNA repair associated; plus strand). Cytogenetic location: 13q13.1.
Variant type: Deletion.
Coding change: c.6447del on transcript NM_000059.4 (MANE Select); coding-DNA position 6447, one base deleted (T; older notation c.6447delT).
Protein change: p.Val2151fs; shifts the reading frame from valine 2151.
Molecular consequence: frameshift variant.
Genome position (GRCh38, 1-based): chr13:32,340,802, T deleted; the last of 2 consecutive T bases (chr13:32,340,801-32,340,802); deleting either gives the same sequence. VCF-style (leftmost placement, unchanged base first): chr13-32340800-AT-A. GRCh37 (hg19) VCF-style: chr13-32914937-AT-A.
Other names: 6674delT; c.6447delT (NM_000059.3); short protein forms V2151fs.
Identifiers: ClinVar variation 266949 (VCV000266949.18), dbSNP rs886040657, ClinGen allele CA10589378.